The following is an entry in ClinVar:

NM_001134831.2(AHI1):c.2493-289C>A

Gene: AHI1 (Abelson helper integration site 1; minus strand). Cytogenetic location: 6q23.3.
Variant type: single nucleotide variant.
Coding change: c.2493-289C>A on transcript NM_001134831.2 (MANE Select); 289 bases into the intron before coding-DNA position 2493, C replaced by A.
Molecular consequence: intron variant.
Genome position (GRCh38, 1-based): chr6:135,429,048, G>T on the plus strand (C>A on the coding strand, the complement: AHI1 is on the minus strand). VCF-style: chr6-135429048-G-T. GRCh37 (hg19) VCF-style: chr6-135750186-G-T.
Other names: c.2493-289C>A (NM_001134830.2, NM_001350503.2, NM_017651.5 and 2 more transcripts).
Identifiers: ClinVar variation 674285 (VCV000674285.1), dbSNP rs148587323, ClinGen allele CA148119091.

ClinVar aggregate classification (germline): Likely benign (1 of 4 stars; one submission).

Allele frequency attached by ClinVar (database versions not stated): 1000 Genomes Project 30x 0.02405; TOPMed 0.02146; 1000 Genomes Project 0.02536.
gnomAD v4.1: 3,071 of 151,672 alleles (2%); highest among the groups gnomAD compares: South Asian, 3.8%; 39 homozygotes.

Submission:

GeneDx
Classification: Likely benign. Last evaluated: 2018-06-19. Review status: criteria provided, single submitter. Criteria: GeneDx Variant Classification (06012015). Collection method: clinical testing. Allele origin: germline. Affected: yes.
Comment: This variant is considered likely benign or benign based on one or more of the following criteria: it is a conservative change, it occurs at a poorly conserved position in the protein, it is predicted to be benign by multiple in silico algorithms, and/or has population frequency not consistent with disease.